The following is an entry in ClinVar:

ClinVar aggregate classification (germline): Uncertain significance (1 of 4 stars; one submission).

Submission:

GeneDx
Classification: Uncertain significance. Last evaluated: 2023-12-02. Review status: criteria provided, single submitter. Criteria: GeneDx Variant Classification Process June 2021. Collection method: clinical testing. Allele origin: germline. Affected: yes.
Comment: Not observed at significant frequency in large population cohorts (gnomAD); In silico analysis supports that this missense variant does not alter protein structure/function; Has not been previously published as pathogenic or benign to our knowledge.

NM_001387283.1(SMARCA4):c.4226A>G (p.Gln1409Arg)

Gene: SMARCA4 (SWI/SNF related BAF chromatin remodeling complex subunit ATPase 4; plus strand). Cytogenetic location: 19p13.2.
Variant type: single nucleotide variant.
Coding change: c.4226A>G on transcript NM_001387283.1 (MANE Plus Clinical); coding-DNA position 4226, A replaced by G.
Protein change: p.Gln1409Arg; replaces glutamine 1409 with arginine.
Molecular consequence: missense variant. On other transcripts: intron variant (7).
Genome position (GRCh38, 1-based): chr19:11,039,513, A>G. VCF-style: chr19-11039513-A-G. GRCh37 (hg19) VCF-style: chr19-11150189-A-G.
Other names: c.4226A>G, p.Gln1409Arg (NM_001128849.3); c.4127A>G, p.Gln1376Arg (NM_001411150.1); c.4171-1794A>G (NM_001128844.3, NM_003072.5); c.4072-1794A>G (NM_001128847.4, NM_001374457.1, NM_001128848.2); c.4072-1785A>G (NM_001128845.2, NM_001128846.2); short protein forms Q1376R, Q1409R.
Identifiers: ClinVar variation 3364903 (VCV003364903.1).